The following is an entry in ClinVar:

NM_001367624.2(ZNF469):c.8438C>A (p.Thr2813Asn)

Gene: ZNF469 (zinc finger protein 469; plus strand). Cytogenetic location: 16q24.2.
Variant type: single nucleotide variant.
Coding change: c.8438C>A on transcript NM_001367624.2 (MANE Select); coding-DNA position 8438, C replaced by A.
Protein change: p.Thr2813Asn; replaces threonine 2813 with asparagine.
Molecular consequence: missense variant.
Genome position (GRCh38, 1-based): chr16:88,435,908, C>A. VCF-style: chr16-88435908-C-A. GRCh37 (hg19) VCF-style: chr16-88502316-C-A.
Other names: NM_001127464.1:c.8354C>A; short protein forms T2813N.
Identifiers: ClinVar variation 1029107 (VCV001029107.1), dbSNP rs985304000, ClinGen allele CA397117803.

ClinVar aggregate classification (germline): Uncertain significance (1 of 4 stars; one submission).

Conditions:
Brittle cornea syndrome 1 (BCS1). Also called: CORNEAL FRAGILITY, KERATOGLOBUS, BLUE SCLERAE, JOINT HYPEREXTENSIBILITY; EDS6B; FRAGILITAS OCULI WITH JOINT HYPEREXTENSIBILITY; Corneal fragility keratoglobus, blue sclerae AND joint hypermobility; DYSGENESIS MESODERMALIS CORNEAE ET SCLERAE. Identifiers: Orphanet 90354, MedGen C0268344, MONDO:0024543, OMIM 229200.

Submission:

Baylor Genetics
Classification: Uncertain significance for Brittle cornea syndrome 1. Last evaluated: 2020-06-03. Review status: criteria provided, single submitter. Criteria: ACMG Guidelines, 2015. Collection method: clinical testing. Allele origin: unknown. Affected: yes.
Comment: This variant was determined to be of uncertain significance according to ACMG Guidelines, 2015 [PMID:25741868].